The following is an entry in ClinVar:

ClinVar aggregate classification (germline): Uncertain significance. Review status: criteria provided, multiple submitters, no conflicts (2 of 4 stars). 3 submissions from 3 submitters: Uncertain significance (3). Last evaluated 2025-11-10.

Conditions:
Cardiovascular phenotype. Identifiers: MedGen CN230736.
CACNB2-related disorder. Also called: CACNB2-related condition.
Brugada syndrome 4 (BRGDA4). Identifiers: Orphanet 130, MedGen C2678477, MONDO:0012743, OMIM 611876.

Allele frequency attached by ClinVar (database versions not stated): gnomAD 0.00001 and 0.00002; ExAC 0.00002; TOPMed 0.00004; ESP Exome Variant Server 0.00008.
gnomAD v4.1: 31 of 1,612,898 alleles (0.0019%); highest among the groups gnomAD compares: South Asian, 0.0099%; no homozygotes.

Submissions (3):

PreventionGenetics, part of Exact Sciences
Classification: Uncertain significance for CACNB2-related condition. Last evaluated: 2025-11-10. Review status: criteria provided, single submitter. Criteria: ACMG Guidelines, 2015. Collection method: clinical testing. Allele origin: germline.
Comment: The CACNB2 c.1775G>A variant is predicted to result in the amino acid substitution p.Arg592Gln. To our knowledge, this variant has not been reported in the literature. This variant is reported in 0.0062% of alleles in individuals of African descent in gnomAD. At this time, the clinical significance of this variant is uncertain due to the absence of conclusive functional and genetic evidence.

Ambry Genetics
Classification: Uncertain significance for Cardiovascular phenotype. Last evaluated: 2025-08-07. Review status: criteria provided, single submitter. Criteria: Ambry Variant Classification Scheme 2023. Collection method: clinical testing. Allele origin: germline.

Labcorp Genetics (formerly Invitae), Labcorp
Classification: Uncertain significance for Brugada syndrome 4. Last evaluated: 2025-02-26. Review status: criteria provided, single submitter. Criteria: Invitae Variant Classification Sherloc (09022015). Collection method: clinical testing. Allele origin: germline.
Comment: This sequence change replaces arginine, which is basic and polar, with glutamine, which is neutral and polar, at codon 592 of the CACNB2 protein (p.Arg592Gln). This variant is present in population databases (rs374454040, gnomAD 0.007%). This variant has not been reported in the literature in individuals affected with CACNB2-related conditions. ClinVar contains an entry for this variant (Variation ID: 519466). An algorithm developed to predict the effect of missense changes on protein structure and function (PolyPhen-2) suggests that this variant is likely to be disruptive. In summary, the available evidence is currently insufficient to determine the role of this variant in disease. Therefore, it has been classified as a Variant of Uncertain Significance.

NM_201596.3(CACNB2):c.1937G>A (p.Arg646Gln)

Gene: CACNB2 (calcium voltage-gated channel auxiliary subunit beta 2; plus strand). Cytogenetic location: 10p12.31.
Variant type: single nucleotide variant.
Coding change: c.1937G>A on transcript NM_201596.3 (MANE Select); coding-DNA position 1937, G replaced by A.
Protein change: p.Arg646Gln; replaces arginine 646 with glutamine.
Molecular consequence: missense variant.
Genome position (GRCh38, 1-based): chr10:18,539,678, G>A. VCF-style: chr10-18539678-G-A. GRCh37 (hg19) VCF-style: chr10-18828607-G-A.
Other names: c.1772G>A, p.Arg591Gln (NM_000724.4); c.1739G>A, p.Arg580Gln (NM_001167945.2); c.1658G>A, p.Arg553Gln (NM_001330060.2); c.1793G>A, p.Arg598Gln (NM_201570.3); c.1853G>A, p.Arg618Gln (NM_201571.4); c.1781G>A, p.Arg594Gln (NM_201572.4); c.1775G>A, p.Arg592Gln (NM_201590.3); c.1823G>A, p.Arg608Gln (NM_201593.3); and 1 more; short protein forms R592Q, R646Q, R591Q, R594Q, R618Q, R622Q, R553Q, R580Q.
Identifiers: ClinVar variation 519466 (VCV000519466.14), dbSNP rs374454040, ClinGen allele CA5430213.